The following is an entry in ClinVar:

NM_005477.3(HCN4):c.1069C>G (p.Leu357Val)

Genes: HCN4 (hyperpolarization activated cyclic nucleotide gated potassium channel 4; minus strand), LOC105370890 (uncharacterized LOC105370890; plus strand), LOC126862173 (CDK7 strongly-dependent group 2 enhancer GRCh37_chr15:73635762-73636961; plus strand). Cytogenetic location: 15q24.1.
Variant type: single nucleotide variant.
Coding change: c.1069C>G on transcript NM_005477.3 (MANE Select); coding-DNA position 1069, C replaced by G.
Protein change: p.Leu357Val; replaces leucine 357 with valine.
Molecular consequence: missense variant. On other transcripts: non-coding transcript variant (1).
Genome position (GRCh38, 1-based): chr15:73,343,525, G>C on the plus strand (C>G on the coding strand, the complement: HCN4 is on the minus strand). VCF-style: chr15-73343525-G-C. GRCh37 (hg19) VCF-style: chr15-73635866-G-C.
Other names: short protein forms L357V.
Identifiers: ClinVar variation 3712988 (VCV003712988.2).

ClinVar aggregate classification (germline): Uncertain significance (1 of 4 stars; one submission).

Conditions:
Brugada syndrome 8 (BRGDA8). Identifiers: Orphanet 130, MedGen C2751083, MONDO:0013148, OMIM 613123.

Submission:

Labcorp Genetics (formerly Invitae), Labcorp
Classification: Uncertain significance for Brugada syndrome 8. Last evaluated: 2024-11-24. Review status: criteria provided, single submitter. Criteria: Invitae Variant Classification Sherloc (09022015). Collection method: clinical testing. Allele origin: germline.
Comment: This sequence change replaces leucine, which is neutral and non-polar, with valine, which is neutral and non-polar, at codon 357 of the HCN4 protein (p.Leu357Val). This variant is present in population databases (rs761690270, gnomAD 0.003%). This variant has not been reported in the literature in individuals affected with HCN4-related conditions. Invitae Evidence Modeling of protein sequence and biophysical properties (such as structural, functional, and spatial information, amino acid conservation, physicochemical variation, residue mobility, and thermodynamic stability) indicates that this missense variant is expected to disrupt HCN4 protein function with a positive predictive value of 95%. In summary, the available evidence is currently insufficient to determine the role of this variant in disease. Therefore, it has been classified as a Variant of Uncertain Significance.